The following is an entry in ClinVar:

ClinVar aggregate classification (germline): Uncertain significance (1 of 4 stars; one submission).

Conditions:
Inborn genetic diseases. Identifiers: MedGen C0950123, MeSH D030342.

Submission:

Ambry Genetics
Classification: Uncertain significance for Inborn genetic diseases. Last evaluated: 2026-04-23. Review status: criteria provided, single submitter. Criteria: Ambry Variant Classification Scheme 2023. Collection method: clinical testing. Allele origin: germline.
Comment: The c.1105G>C (p.D369H) alteration is located in exon 2 (coding exon 2) of the BPTF gene. This alteration results from a G to C substitution at nucleotide position 1105, causing the aspartic acid (D) at amino acid position 369 to be replaced by a histidine (H). This variant was not reported in population-based cohorts in the Genome Aggregation Database (gnomAD). This amino acid position is highly conserved in available vertebrate species. This missense variant is located in a region that has a low rate of benign missense variation (Lek, 2016; Firth, 2009). This alteration is predicted to be deleterious by in silico analysis. Based on insufficient or conflicting evidence, the clinical significance of this alteration remains unclear.

NM_182641.4(BPTF):c.1105G>C (p.Asp369His)

Gene: BPTF (bromodomain PHD finger transcription factor; plus strand). Cytogenetic location: 17q24.2.
Variant type: single nucleotide variant.
Coding change: c.1105G>C on transcript NM_182641.4 (MANE Select); coding-DNA position 1105, G replaced by C.
Protein change: p.Asp369His; replaces aspartic acid 369 with histidine.
Molecular consequence: missense variant.
Genome position (GRCh38, 1-based): chr17:67,854,431, G>C. VCF-style: chr17-67854431-G-C. GRCh37 (hg19) VCF-style: chr17-65850547-G-C.
Other names: c.1105G>C, p.Asp369His (NM_001439139.1, NM_001439140.1, NM_001439141.1 and 4 more transcripts); short protein forms D369H.
Identifiers: ClinVar variation 4867672 (VCV004867672.1).